The following is an entry in ClinVar:

ClinVar aggregate classification (germline): Pathogenic/Likely pathogenic. Review status: criteria provided, multiple submitters, no conflicts (2 of 4 stars). 2 submissions from 2 submitters: Pathogenic (1); Likely pathogenic (1). Last evaluated 2024-10-28.

Conditions:
Retinitis pigmentosa 25 (RP25). Identifiers: Orphanet 791, MedGen C1864446, MONDO:0011272, OMIM 602772.

Submissions (2):

Natera, Inc.
Classification: Likely pathogenic for Retinitis pigmentosa type 25. Last evaluated: 2024-10-28. Review status: criteria provided, single submitter. Criteria: Natera Variant Classification Schema (03/2026). Collection method: clinical testing. Allele origin: germline.
Comment: The c.2174_2175delAT variant in EYS is a frameshift variant predicted to shift the reading frame beginning at codon 725 and leads to a stop codon 6 codons downstream. This variant is expected to result in nonsense mediated decay, truncation, or a dysfunctional protein product. This variant is rare in the general population with a frequency below the threshold expected for the associated phenotype(s). Given the available evidence, this variant is classified as Likely Pathogenic.

Labcorp Genetics (formerly Invitae), Labcorp
Classification: Pathogenic. Last evaluated: 2023-04-09. Review status: criteria provided, single submitter. Criteria: Invitae Variant Classification Sherloc (09022015). Collection method: clinical testing. Allele origin: germline.
Comment: For these reasons, this variant has been classified as Pathogenic. This variant has not been reported in the literature in individuals affected with EYS-related conditions. This variant is not present in population databases (gnomAD no frequency). This sequence change creates a premature translational stop signal (p.Tyr725Cysfs*6) in the EYS gene. It is expected to result in an absent or disrupted protein product. Loss-of-function variants in EYS are known to be pathogenic (PMID: 18836446, 20333770).

Literature cited by the submitters: PubMed 18836446 (cited by Labcorp Genetics (formerly Invitae), Labcorp); PubMed 20333770 (cited by Labcorp Genetics (formerly Invitae), Labcorp).

NM_001142800.2(EYS):c.2174_2175del (p.Tyr725fs)

Gene: EYS (EGF-like photoreceptor maintenance factor; minus strand). Cytogenetic location: 6q12.
Variant type: Deletion.
Coding change: c.2174_2175del on transcript NM_001142800.2 (MANE Select); coding-DNA positions 2174 to 2175, 2 bases deleted (AT; older notation c.2174_2175delAT).
Protein change: p.Tyr725fs; shifts the reading frame from tyrosine 725.
Molecular consequence: frameshift variant.
Genome position (GRCh38, 1-based): chr6:64,997,666-64,997,667, AT deleted on the plus strand (AT on the coding strand, the reverse complement: EYS is on the minus strand); deleting any 2 consecutive bases within chr6:64,997,666-64,997,668 gives the same sequence; the c. name uses the placement nearest the transcript's 3' end. VCF-style (leftmost placement, unchanged base first): chr6-64997665-CAT-C. GRCh37 (hg19) VCF-style: chr6-65707558-CAT-C.
Other names: c.2174_2175delAT (NM_001142800.1); c.2174_2175del, p.Tyr725fs (NM_001292009.2); short protein forms Y725fs.
Identifiers: ClinVar variation 2854477 (VCV002854477.4), dbSNP rs2533574979, ClinGen allele CA2679287877.
Genomic context (GRCh38, chr6:64,997,665, plus strand): 5'-AATTGTGCTCACAGGCATTCAGGATGCAGTCATCAATGTCCTGTTCACATCTTATCCCAA[CAT>C]AGCCTGGATTGCATAAGCAGGAAAAGCCATCAACCACTGGAAACAACAGAAAAGAGAAAA-3'